The following is an entry in ClinVar:

ClinVar aggregate classification (germline): Uncertain significance (1 of 4 stars; one submission).

Conditions:
Adams-Oliver syndrome 5 (AOS5). Identifiers: Orphanet 974, MedGen C4014970, MONDO:0014459, OMIM 616028.

Allele frequency attached by ClinVar (database versions not stated): TOPMed below 0.00001.

Submission:

Labcorp Genetics (formerly Invitae), Labcorp
Classification: Uncertain significance for Adams-Oliver syndrome 5. Last evaluated: 2016-06-09. Review status: criteria provided, single submitter. Criteria: Invitae Variant Classification Sherloc (09022015). Collection method: clinical testing. Allele origin: germline.
Comment: In summary, this variant is a novel missense change with uncertain impact on protein function. It has been classified as a Variant of Uncertain Significance. Algorithms developed to predict the effect of missense changes on protein structure and function do not agree on the potential impact of this missense change (SIFT: "Deleterious"; PolyPhen-2: "Benign"; Align-GVGD: "Class C0"). This variant is not present in population databases (ExAC no frequency) and has not been reported in the literature in individuals with a NOTCH1-related disease. This sequence change replaces cysteine with arginine at codon 1040 of the NOTCH1 protein (p.Cys1040Arg). The cysteine residue is weakly conserved and there is a large physicochemical difference between cysteine and arginine.

NM_017617.5(NOTCH1):c.3118T>C (p.Cys1040Arg)

Gene: NOTCH1 (notch receptor 1; minus strand). Cytogenetic location: 9q34.3.
Variant type: single nucleotide variant.
Coding change: c.3118T>C on transcript NM_017617.5 (MANE Select); coding-DNA position 3118, T replaced by C.
Protein change: p.Cys1040Arg; replaces cysteine 1040 with arginine.
Molecular consequence: missense variant.
Genome position (GRCh38, 1-based): chr9:136,508,923, A>G on the plus strand (T>C on the coding strand, the complement: NOTCH1 is on the minus strand). VCF-style: chr9-136508923-A-G. GRCh37 (hg19) VCF-style: chr9-139403375-A-G.
Other names: c.3118T>C, p.Cys1040Arg (LRG_1122t1); short protein forms C1040R.
Identifiers: ClinVar variation 409044 (VCV000409044.7), dbSNP rs1060502235, ClinGen allele CA16612738.